The following is an entry in ClinVar:

ClinVar aggregate classification (germline): Uncertain significance (0 of 4 stars; one submission).

Conditions:
TCOF1-related disorder. Also called: TCOF1-related condition.

Allele frequency attached by ClinVar (database versions not stated): gnomAD 0.00001; ESP Exome Variant Server 0.00008.
gnomAD v4.1: 3 of 1,612,636 alleles (0.00019%); highest among the groups gnomAD compares: Non-Finnish European, 0.00025%; no homozygotes.

Submission:

PreventionGenetics, part of Exact Sciences
Classification: Uncertain significance for TCOF1-related condition. Last evaluated: 2024-02-13. Review status: no assertion criteria provided. Collection method: clinical testing. Allele origin: germline.
Comment: The TCOF1 c.1551G>C variant is predicted to result in the amino acid substitution p.Leu517Phe. To our knowledge, this variant has not been reported in the literature or in a large population database, indicating this variant is rare. At this time, the clinical significance of this variant is uncertain due to the absence of conclusive functional and genetic evidence.

NM_001371623.1(TCOF1):c.1551G>C (p.Leu517Phe)

Gene: TCOF1 (treacle ribosome biogenesis factor 1; plus strand). Cytogenetic location: 5q32.
Variant type: single nucleotide variant.
Coding change: c.1551G>C on transcript NM_001371623.1 (MANE Select); coding-DNA position 1551, G replaced by C.
Protein change: p.Leu517Phe; replaces leucine 517 with phenylalanine.
Molecular consequence: missense variant.
Genome position (GRCh38, 1-based): chr5:150,375,401, G>C. VCF-style: chr5-150375401-G-C. GRCh37 (hg19) VCF-style: chr5-149754964-G-C.
Other names: c.1320G>C, p.Leu440Phe (NM_000356.4, NM_001135245.2); c.1551G>C, p.Leu517Phe (NM_001008657.3, NM_001135243.2, NM_001135244.2 and 1 more transcripts); short protein forms L440F, L517F.
Identifiers: ClinVar variation 2636283 (VCV002636283.3), dbSNP rs369855802, ClinGen allele CA129135209.
Genomic context (GRCh38, chr5:150,375,401, plus strand): 5'-GAAGCCCTTGGGGAAAAGCCCCCAGGTGAAACCTGCCTCTACCATGGGCATGGGGCCCTT[G>C]GGGAAAGGCGCCGGCCCAGTGCCACCCGGGAAGGTGGGGCCTGCAACCCCCTCAGCCCAG-3'
Protein context (NP_001358552.1, residues 507-527): KPASTMGMGP[Leu517Phe]GKGAGPVPPG